The following is an entry in ClinVar:

ClinVar aggregate classification (germline): Pathogenic. Review status: criteria provided, multiple submitters, no conflicts (2 of 4 stars). 4 submissions from 4 submitters: Pathogenic (4). Last evaluated 2025-03-18.

Conditions:
Bardet-Biedl syndrome (BBS). Identifiers: Orphanet 110, MedGen C0752166, MONDO:0015229.
Bardet-Biedl syndrome 10 (BBS10). Identifiers: Orphanet 110, MedGen C1859568, MONDO:0014438, OMIM 615987.

Allele frequency attached by ClinVar (database versions not stated): gnomAD exomes below 0.00001.

Submissions (4):

Natera, Inc.
Classification: Pathogenic for Bardet-Biedl syndrome type 10. Last evaluated: 2025-03-18. Review status: criteria provided, single submitter. Criteria: Natera Variant Classification Schema (03/2026). Collection method: clinical testing. Allele origin: germline.
Comment: The c.180dup variant in BBS10 is a frameshift variant predicted to shift the reading frame beginning at codon 61 and leads to a stop codon 35 codons downstream. This variant is expected to result in nonsense mediated decay, truncation, or a dysfunctional protein product. This variant is rare in the general population with a frequency below the threshold expected for the associated phenotype(s). This variant has been observed in one or more individuals affected with the associated recessive disease, as either homozygous or compound heterozygous with a second variant (PMID: 21209035). Given the available evidence, this variant is classified as Pathogenic.

Labcorp Genetics (formerly Invitae), Labcorp
Classification: Pathogenic for Bardet-Biedl syndrome. Last evaluated: 2023-12-12. Review status: criteria provided, single submitter. Criteria: Invitae Variant Classification Sherloc (09022015). Collection method: clinical testing. Allele origin: germline.
Comment: This sequence change creates a premature translational stop signal (p.Glu61Argfs*35) in the BBS10 gene. While this is not anticipated to result in nonsense mediated decay, it is expected to disrupt the last 663 amino acid(s) of the BBS10 protein. This variant is not present in population databases (gnomAD no frequency). This premature translational stop signal has been observed in individual(s) with Bardet-Biedl syndrome (PMID: 21209035). ClinVar contains an entry for this variant (Variation ID: 2136306). This variant disrupts a region of the BBS10 protein in which other variant(s) (p.Val707*) have been determined to be pathogenic (PMID: 20472660, 22773737, 25982971, 27486776). This suggests that this is a clinically significant region of the protein, and that variants that disrupt it are likely to be disease-causing. For these reasons, this variant has been classified as Pathogenic.

Baylor Genetics
Classification: Pathogenic for Bardet-Biedl syndrome 10. Last evaluated: 2023-11-11. Review status: criteria provided, single submitter. Criteria: ACMG Guidelines, 2015. Collection method: clinical testing. Allele origin: unknown.

Foundation for Research in Genetics and Endocrinology, FRIGE's Institute of Human Genetics
Classification: Pathogenic for Bardet-Biedl syndrome 10. Last evaluated: 2021-03-30. Review status: criteria provided, single submitter. Criteria: ACMG Guidelines, 2015. Collection method: clinical testing. Allele origin: germline. Inheritance: Autosomal recessive inheritance. Affected: yes. Observed: 1 compound heterozygote.
Comment: A heterozygous single base pair duplication in exon 1 of the BBS10 gene that results in a frameshift and premature truncation of the protein 35 amino acids downstream to codon 61 (p.Glu61ArgfsTer35) was detected. This variant has not been reported in the 1000 genomes and gnomAD databases. The in silico prediction of the variant is damaging by MutationTaster2. The reference region is conserved across species. In summary, this variant is classified as a pathogenic variant.

Literature cited by the submitters: PubMed 21209035 (cited by Natera, Inc. and Labcorp Genetics (formerly Invitae), Labcorp); PubMed 20472660 (cited by Labcorp Genetics (formerly Invitae), Labcorp); PubMed 22773737 (cited by Labcorp Genetics (formerly Invitae), Labcorp); PubMed 25982971 (cited by Labcorp Genetics (formerly Invitae), Labcorp); PubMed 27486776 (cited by Labcorp Genetics (formerly Invitae), Labcorp).

NM_024685.4(BBS10):c.180dup (p.Glu61fs)

Gene: BBS10 (Bardet-Biedl syndrome 10; minus strand). Cytogenetic location: 12q21.2.
Variant type: Duplication.
Coding change: c.180dup on transcript NM_024685.4 (MANE Select); coding-DNA position 180, one base duplicated (A; older notation c.180dupA).
Protein change: p.Glu61fs; shifts the reading frame from glutamic acid 61.
Molecular consequence: frameshift variant.
Genome position (GRCh38, 1-based): chr12:76,348,179, T duplicated on the plus strand (A on the coding strand, the reverse complement: BBS10 is on the minus strand). VCF-style (leftmost placement, unchanged base first): chr12-76348178-C-CT. GRCh37 (hg19) VCF-style: chr12-76741958-C-CT.
Other names: p.Glu61ArgfsTer35; c.180_181insA (NM_024685.4); c.180dup (NM_024685.3); short protein forms E61fs.
Identifiers: ClinVar variation 2136306 (VCV002136306.10), dbSNP rs2540957709, ClinGen allele CA2580086690.